The following is an entry in ClinVar:

NM_032634.4(PIGO):c.794G>A (p.Arg265His)

Gene: PIGO (phosphatidylinositol glycan anchor biosynthesis class O; minus strand). Cytogenetic location: 9p13.3.
Variant type: single nucleotide variant.
Coding change: c.794G>A on transcript NM_032634.4 (MANE Select); coding-DNA position 794, G replaced by A.
Protein change: p.Arg265His; replaces arginine 265 with histidine.
Molecular consequence: missense variant.
Genome position (GRCh38, 1-based): chr9:35,093,566, C>T on the plus strand (G>A on the coding strand, the complement: PIGO is on the minus strand). VCF-style: chr9-35093566-C-T. GRCh37 (hg19) VCF-style: chr9-35093563-C-T.
Other names: c.794G>A, p.Arg265His (NM_001201484.2, NM_152850.4); short protein forms R265H.
Identifiers: ClinVar variation 473237 (VCV000473237.42), dbSNP rs200924324, ClinGen allele CA5040821.

ClinVar aggregate classification (germline): Conflicting classifications of pathogenicity. Review status: criteria provided, conflicting classifications (1 of 4 stars). 9 submissions from 9 submitters: Uncertain significance (6); Likely benign (2). 1 of the submissions does not count toward it. Last evaluated 2025-01-22.

Conditions:
PIGO-related disorder. Also called: PIGO-related condition.
Hyperphosphatasia with impaired intellectual development syndrome 2. Also called: GLYCOSYLPHOSPHATIDYLINOSITOL BIOSYNTHESIS DEFECT 6; Hyperphosphatasia with intellectual disability syndrome 2. Identifiers: Orphanet 247262, MedGen C3553637, MONDO:0013882, OMIM 614749.
Inborn genetic diseases. Identifiers: MedGen C0950123, MeSH D030342.

Allele frequency attached by ClinVar (database versions not stated): ExAC 0.00017; TOPMed 0.00023; ESP Exome Variant Server 0.00031; 1000 Genomes Project 0.00020; 1000 Genomes Project 30x 0.00016; gnomAD exomes 0.00016 and 0.00027; gnomAD 0.00024.
gnomAD v4.1: 426 of 1,611,998 alleles (0.026%); highest among the groups gnomAD compares: Middle Eastern, 0.084%; 1 homozygote.

Submissions (9):

Revvity Omics, Revvity
Classification: Uncertain significance for Hyperphosphatasia with impaired intellectual development syndrome 2. Last evaluated: 2025-01-22. Review status: criteria provided, single submitter. Criteria: ACMG Guidelines, 2015. Collection method: clinical testing. Allele origin: germline.

Blueprint Genetics
Classification: Likely benign. Last evaluated: 2024-10-18. Review status: criteria provided, single submitter. Criteria: ACMG Guidelines, 2015. Collection method: clinical testing. Allele origin: germline.

CeGaT Center for Human Genetics Tuebingen
Classification: Likely benign. Last evaluated: 2023-12-01. Review status: criteria provided, single submitter. Criteria: CeGaT Center For Human Genetics Tuebingen Variant Classification Criteria Version 2. Collection method: clinical testing. Allele origin: germline. Affected: yes. Observed: 2 variant alleles.
Comment: PIGO: BP4

GeneDx
Classification: Uncertain significance. Last evaluated: 2023-03-21. Review status: criteria provided, single submitter. Criteria: GeneDx Variant Classification Process June 2021. Collection method: clinical testing. Allele origin: germline. Affected: yes.
Comment: Has not been previously published as pathogenic or benign to our knowledge; In silico analysis supports that this missense variant does not alter protein structure/function

Labcorp Genetics (formerly Invitae), Labcorp
Classification: Uncertain significance for Hyperphosphatasia with impaired intellectual development syndrome 2. Last evaluated: 2022-09-19. Review status: criteria provided, single submitter. Criteria: Invitae Variant Classification Sherloc (09022015). Collection method: clinical testing. Allele origin: germline.
Comment: This sequence change replaces arginine, which is basic and polar, with histidine, which is basic and polar, at codon 265 of the PIGO protein (p.Arg265His). This variant is present in population databases (rs200924324, gnomAD 0.03%). This variant has not been reported in the literature in individuals affected with PIGO-related conditions. ClinVar contains an entry for this variant (Variation ID: 473237). Advanced modeling of protein sequence and biophysical properties (such as structural, functional, and spatial information, amino acid conservation, physicochemical variation, residue mobility, and thermodynamic stability) performed at Invitae indicates that this missense variant is not expected to disrupt PIGO protein function. In summary, the available evidence is currently insufficient to determine the role of this variant in disease. Therefore, it has been classified as a Variant of Uncertain Significance.

Ambry Genetics
Classification: Uncertain significance for Inborn genetic diseases. Last evaluated: 2021-07-20. Review status: criteria provided, single submitter. Criteria: Ambry Variant Classification Scheme 2023. Collection method: clinical testing. Allele origin: germline.

Baylor Genetics
Classification: Uncertain significance for Hyperphosphatasia with impaired intellectual development syndrome 2. Last evaluated: 2018-07-06. Review status: criteria provided, single submitter. Criteria: ACMG Guidelines, 2015. Collection method: clinical testing. Allele origin: maternal. Affected: yes.
Comment: This variant was determined to be of uncertain significance according to ACMG Guidelines, 2015 [PMID:25741868].

Illumina Laboratory Services, Illumina
Classification: Uncertain significance for Hyperphosphatasia with impaired intellectual development syndrome 2. Last evaluated: 2018-01-13. Review status: criteria provided, single submitter. Criteria: ICSL Variant Classification Criteria 13 December 2019. Collection method: clinical testing. Allele origin: germline.

PreventionGenetics, part of Exact Sciences
Classification: Uncertain significance for PIGO-related condition. Last evaluated: 2024-01-02. Review status: no assertion criteria provided. Collection method: clinical testing. Allele origin: germline. Not counted in ClinVar's aggregate classification.
Comment: The PIGO c.794G>A variant is predicted to result in the amino acid substitution p.Arg265His. To our knowledge, this variant has not been reported in the literature. This variant is reported in 0.027% of alleles in individuals of European (Non-Finnish) descent in gnomAD. At this time, the clinical significance of this variant is uncertain due to the absence of conclusive functional and genetic evidence.